The following is an entry in ClinVar:

ClinVar aggregate classification (germline): Likely benign (1 of 4 stars; one submission).

Allele frequency attached by ClinVar (database versions not stated): gnomAD 0.00003; gnomAD exomes 0.00004; TOPMed 0.00004; ExAC 0.00006; ESP Exome Variant Server 0.00008.

Submission:

CeGaT Center for Human Genetics Tuebingen
Classification: Likely benign. Last evaluated: 2023-03-01. Review status: criteria provided, single submitter. Criteria: CeGaT Center For Human Genetics Tuebingen Variant Classification Criteria Version 2. Collection method: clinical testing. Allele origin: germline. Affected: yes. Observed: 1 variant allele.
Comment: AP2M1: BP4, BS2

NM_004068.4(AP2M1):c.-3G>A

Genes: AP2M1 (adaptor related protein complex 2 subunit mu 1; plus strand), LOC123453202 (Sharpr-MPRA regulatory region 464; plus strand). Cytogenetic location: 3q27.1.
Variant type: single nucleotide variant.
Coding change: c.-3G>A on transcript NM_004068.4 (MANE Select); 3 bases upstream of the start codon, G replaced by A.
Molecular consequence: 5 prime UTR variant.
Genome position (GRCh38, 1-based): chr3:184,176,991, G>A. VCF-style: chr3-184176991-G-A. GRCh37 (hg19) VCF-style: chr3-183894779-G-A.
Other names: c.-3G>A (NM_001025205.2, NM_001311198.2).
Identifiers: ClinVar variation 2654308 (VCV002654308.24), dbSNP rs376237979, ClinGen allele CA2727613.